The following is an entry in ClinVar:

NM_000215.4(JAK3):c.512C>T (p.Ala171Val)

Gene: JAK3 (Janus kinase 3; minus strand). Cytogenetic location: 19p13.11.
Variant type: single nucleotide variant.
Coding change: c.512C>T on transcript NM_000215.4 (MANE Select); coding-DNA position 512, C replaced by T.
Protein change: p.Ala171Val; replaces alanine 171 with valine.
Molecular consequence: missense variant.
Genome position (GRCh38, 1-based): chr19:17,843,081, G>A on the plus strand (C>T on the coding strand, the complement: JAK3 is on the minus strand). VCF-style: chr19-17843081-G-A. GRCh37 (hg19) VCF-style: chr19-17953890-G-A.
Other names: short protein forms A171V.
Identifiers: ClinVar variation 662597 (VCV000662597.6), dbSNP rs764890523, ClinGen allele CA9302150.

ClinVar aggregate classification (germline): Uncertain significance (1 of 4 stars; one submission).

Conditions:
T-B+ severe combined immunodeficiency due to JAK3 deficiency. Also called: SCID, autosomal recessive, T-negative/B-positive type; SCID, T CELL-NEGATIVE, B CELL-POSITIVE, NK CELL-NEGATIVE. Identifiers: Orphanet 35078, MedGen C1833275, MONDO:0010938, OMIM 600802.

Allele frequency attached by ClinVar (database versions not stated): ExAC 0.00001; gnomAD exomes 0.00001 and 0.00002.
gnomAD v4.1: 5 of 1,610,688 alleles (0.00031%); highest among the groups gnomAD compares: Admixed American, 0.0083%; 1 homozygote.

Submission:

Labcorp Genetics (formerly Invitae), Labcorp
Classification: Uncertain significance for T-B+ severe combined immunodeficiency due to JAK3 deficiency. Last evaluated: 2022-07-19. Review status: criteria provided, single submitter. Criteria: Invitae Variant Classification Sherloc (09022015). Collection method: clinical testing. Allele origin: germline.
Comment: This sequence change replaces alanine, which is neutral and non-polar, with valine, which is neutral and non-polar, at codon 171 of the JAK3 protein (p.Ala171Val). The frequency data for this variant in the population databases is considered unreliable, as metrics indicate poor data quality at this position in the gnomAD database. This variant has not been reported in the literature in individuals affected with JAK3-related conditions. ClinVar contains an entry for this variant (Variation ID: 662597). Advanced modeling of protein sequence and biophysical properties (such as structural, functional, and spatial information, amino acid conservation, physicochemical variation, residue mobility, and thermodynamic stability) performed at Invitae indicates that this missense variant is not expected to disrupt JAK3 protein function. Algorithms developed to predict the effect of sequence changes on RNA splicing suggest that this variant may create or strengthen a splice site. In summary, the available evidence is currently insufficient to determine the role of this variant in disease. Therefore, it has been classified as a Variant of Uncertain Significance.